The following is an entry in ClinVar:

NM_000268.4(NF2):c.200C>G (p.Thr67Arg)

Gene: NF2 (NF2, moesin-ezrin-radixin like (MERLIN) tumor suppressor; plus strand). Cytogenetic location: 22q12.2.
Variant type: single nucleotide variant.
Coding change: c.200C>G on transcript NM_000268.4 (MANE Select); coding-DNA position 200, C replaced by G.
Protein change: p.Thr67Arg; replaces threonine 67 with arginine.
Molecular consequence: missense variant. On other transcripts: 5 prime UTR variant (2), intron variant (6).
Genome position (GRCh38, 1-based): chr22:29,636,836, C>G. VCF-style: chr22-29636836-C-G. GRCh37 (hg19) VCF-style: chr22-30032825-C-G.
Other names: c.86C>G, p.Thr29Arg (NM_001407053.1, NM_001407056.1); c.200C>G, p.Thr67Arg (NM_001407054.1, NM_001407057.1, NM_001407058.1 and 9 more transcripts); c.-441C>G (NM_001407065.1); c.-57C>G (NM_001407067.1); c.115-2254C>G (NM_181828.3, NM_001407055.1); c.115-5366C>G (NM_001407063.1, NM_181830.3, NM_001407064.1 and 1 more transcripts); short protein forms T29R, T67R.
Identifiers: ClinVar variation 3404992 (VCV003404992.1).
Genomic context (GRCh38, chr22:29,636,836, plus strand): 5'-TTGATTTGGTGTGCCGGACTCTGGGGCTCCGAGAAACCTGGTTCTTTGGACTGCAGTACA[C>G]AATCAAGGACACAGTGGCCTGGCTCAAAATGGACAAGAAGGTTGGGCTAGAACTCGATGA-3'
Protein context (NP_000259.1, residues 57-77): RETWFFGLQY[Thr67Arg]IKDTVAWLKM

ClinVar aggregate classification (germline): Uncertain significance (1 of 4 stars; one submission).

Conditions:
Hereditary cancer-predisposing syndrome. Also called: Neoplastic Syndromes, Hereditary; Tumor predisposition; Hereditary Cancer Syndrome; Hereditary neoplastic syndrome. Identifiers: Orphanet 140162, MedGen C0027672, MeSH D009386, MONDO:0015356.

Submission:

Ambry Genetics
Classification: Uncertain significance for Hereditary cancer-predisposing syndrome. Last evaluated: 2024-08-17. Review status: criteria provided, single submitter. Criteria: Ambry Variant Classification Scheme 2023. Collection method: clinical testing. Allele origin: germline.
Comment: The p.T67R variant (also known as c.200C>G), located in coding exon 2 of the NF2 gene, results from a C to G substitution at nucleotide position 200. The threonine at codon 67 is replaced by arginine, an amino acid with similar properties. This amino acid position is conserved. In addition, the in silico prediction for this alteration is inconclusive. Based on the available evidence, the clinical significance of this variant remains unclear.